The following is an entry in ClinVar:

NM_002905.5(RDH5):c.54C>T (p.Leu18=)

Genes: BLOC1S1-RDH5 (BLOC1S1-RDH5 readthrough; plus strand), RDH5 (retinol dehydrogenase 5; plus strand). Cytogenetic location: 12q13.2.
Variant type: single nucleotide variant.
Coding change: c.54C>T on transcript NM_002905.5 (MANE Select); coding-DNA position 54, C replaced by T.
Protein change: p.Leu18=; no amino-acid change (leucine 18 retained).
Molecular consequence: synonymous variant.
Genome position (GRCh38, 1-based): chr12:55,721,238, C>T. VCF-style: chr12-55721238-C-T. GRCh37 (hg19) VCF-style: chr12-56115022-C-T.
Other names: c.54C>T, p.Leu18= (NM_001199771.3).
Identifiers: ClinVar variation 2162607 (VCV002162607.4), dbSNP rs1231952530, ClinGen allele CA480360851.

ClinVar aggregate classification (germline): Uncertain significance (1 of 4 stars; one submission).

Allele frequency attached by ClinVar (database versions not stated): gnomAD 0.00001; TOPMed 0.00001.
gnomAD v4.1: 3 of 1,613,894 alleles (0.00019%); highest among the groups gnomAD compares: Non-Finnish European, 0.00025%; no homozygotes.

Submission:

Labcorp Genetics (formerly Invitae), Labcorp
Classification: Uncertain significance. Last evaluated: 2024-02-05. Review status: criteria provided, single submitter. Criteria: Invitae Variant Classification Sherloc (09022015). Collection method: clinical testing. Allele origin: germline.
Comment: This sequence change affects codon 18 of the RDH5 mRNA. It is a 'silent' change, meaning that it does not change the encoded amino acid sequence of the RDH5 protein. This variant is not present in population databases (gnomAD no frequency). This variant has not been reported in the literature in individuals affected with RDH5-related conditions. ClinVar contains an entry for this variant (Variation ID: 2162607). Algorithms developed to predict the effect of sequence changes on RNA splicing suggest that this variant may create or strengthen a splice site. In summary, the available evidence is currently insufficient to determine the role of this variant in disease. Therefore, it has been classified as a Variant of Uncertain Significance.